The following is an entry in ClinVar:

NM_000059.4(BRCA2):c.9904A>C (p.Arg3302=)

Gene: BRCA2 (BRCA2 DNA repair associated; plus strand). Cytogenetic location: 13q13.1.
Variant type: single nucleotide variant.
Coding change: c.9904A>C on transcript NM_000059.4 (MANE Select); coding-DNA position 9904, A replaced by C.
Protein change: p.Arg3302=; no amino-acid change (arginine 3302 retained).
Molecular consequence: synonymous variant.
Genome position (GRCh38, 1-based): chr13:32,398,417, A>C. VCF-style: chr13-32398417-A-C. GRCh37 (hg19) VCF-style: chr13-32972554-A-C.
Identifiers: ClinVar variation 184027 (VCV000184027.7), dbSNP rs762935810, ClinGen allele CA026325.
Genomic context (GRCh38, chr13:32,398,417, plus strand): 5'-CCTGTTAGTCCCATTTGTACATTTGTTTCTCCGGCTGCACAGAAGGCATTTCAGCCACCA[A>C]GGAGTTGTGGCACCAAATACGAAACACCCATAAAGAAAAAAGAACTGAATTCTCCTCAGA-3'
Protein context (NP_000050.3, residues 3292-3312): PAAQKAFQPP[Arg3302=]SCGTKYETPI

ClinVar aggregate classification (germline): Likely benign. Review status: reviewed by expert panel (3 of 4 stars). 2 submissions from 2 submitters: Likely benign (1). 1 of the submissions does not count toward it. Last evaluated 2017-06-29.

Conditions:
Hereditary cancer-predisposing syndrome. Also called: Tumor predisposition; Hereditary Cancer Syndrome; Hereditary neoplastic syndrome; Neoplastic Syndromes, Hereditary. Identifiers: Orphanet 140162, MedGen C0027672, MeSH D009386, MONDO:0015356.
Breast-ovarian cancer, familial, susceptibility to, 2 (BROVCA2). Also called: BRCA2 Hereditary Breast and Ovarian Cancer. Identifiers: Orphanet 145, MedGen C2675520, MONDO:0012933, OMIM 612555. Disease mechanism: loss of function.

Submissions (2):

Evidence-based Network for the Interpretation of Germline Mutant Alleles (ENIGMA)
Classification: Likely benign for Breast-ovarian cancer, familial, susceptibility to, 2. Last evaluated: 2017-06-29. Review status: reviewed by expert panel. Criteria: ENIGMA BRCA1/2 Classification Criteria (2017-06-29). Collection method: curation. Allele origin: germline.
Comment: Synonymous substitution variant, with low bioinformatic likelihood to result in a splicing aberration (Splicing prior probability 0.02).

Ambry Genetics
Classification: Likely benign for Hereditary cancer-predisposing syndrome. Last evaluated: 2023-04-25. Review status: criteria provided, single submitter. Criteria: Ambry Variant Classification Scheme 2023. Collection method: clinical testing. Allele origin: germline. Not counted in ClinVar's aggregate classification.